The following is an entry in ClinVar:

NM_001370298.3(FGD4):c.319+1G>A

Gene: FGD4 (FYVE, RhoGEF and PH domain containing 4; plus strand). Cytogenetic location: 12p11.21.
Variant type: single nucleotide variant.
Coding change: c.319+1G>A on transcript NM_001370298.3 (MANE Select); the canonical splice donor site of the intron after coding-DNA position 319, G replaced by A.
Molecular consequence: splice donor variant.
Genome position (GRCh38, 1-based): chr12:32,564,290, G>A. VCF-style: chr12-32564290-G-A. GRCh37 (hg19) VCF-style: chr12-32717224-G-A.
Other names: c.319+1G>A (NM_001384126.1); c.163+1G>A (NM_001304481.2); c.-188+1G>A (NM_001330374.2, NM_001330373.2, NM_001384130.1); c.-93+1G>A (NM_139241.3, NM_001384127.1, NM_001384131.1 and 3 more transcripts); c.-1244+1G>A (NM_001304484.2); c.48+1G>A (NM_001370297.1); c.-937+1G>A (NM_001304483.2).
Identifiers: ClinVar variation 373492 (VCV000373492.1), dbSNP rs1057518446, ClinGen allele CA16042881.
Genomic context (GRCh38, chr12:32,564,290, plus strand): 5'-CTCAGGGAATAAATGGGAACAGGCCAGCAAAACACTCAGCTGCAAGTCCAAAGCCACAAG[G>A]TATGCTCACTGGGAGTTTGTGTTCGGGGTGGGTACGTTGTTGATCAATGAAGGCTAACCA-3'

ClinVar aggregate classification (germline): Uncertain significance (1 of 4 stars; one submission).

Allele frequency attached by ClinVar (database versions not stated): gnomAD exomes below 0.00001; gnomAD 0.00001; TOPMed 0.00002.
gnomAD v4.1: 3 of 1,535,716 alleles (0.0002%); highest among the groups gnomAD compares: Non-Finnish European, 0.00026%; no homozygotes.

Submission:

GeneDx
Classification: Uncertain significance. Last evaluated: 2016-12-05. Review status: criteria provided, single submitter. Criteria: GeneDx Variant Classification (06012015). Collection method: clinical testing. Allele origin: germline. Affected: yes.
Comment: The FDG4 variant has not been published as a pathogenic variant, nor has it been reported as a benign variant to our knowledge. The c.-93+1 G>A variant is not observed in large population cohorts (Lek et al., 2016; 1000 Genomes Consortium et al., 2015; Exome Variant Server). Several in-silico splice prediction models predict that c.-93+1 G>A may destroy a cryptic donor site which may supplant the natural donor site for intron 2 and lead to abnormal gene splicing. However, in the absence of RNA/functional studies, the actual effect of this sequence change in this individual is unknown. Therefore, based on the currently available information, it is unclear whether this variant is a pathogenic variant or a rare benign variant.